The following is an entry in ClinVar:

ClinVar aggregate classification (germline): Uncertain significance (1 of 4 stars; one submission).

Conditions:
Catecholaminergic polymorphic ventricular tachycardia 1. Also called: VENTRICULAR TACHYCARDIA, CATECHOLAMINERGIC POLYMORPHIC, 1, WITH OR WITHOUT ATRIAL DYSFUNCTION AND/OR DILATED CARDIOMYOPATHY; RYR2-Related Catecholaminergic Polymorphic Ventricular Tachycardia; VENTRICULAR TACHYCARDIA, STRESS-INDUCED POLYMORPHIC 1. Identifiers: Orphanet 3286, MedGen C1631597, MONDO:0011484, OMIM 604772.

Submission:

Labcorp Genetics (formerly Invitae), Labcorp
Classification: Uncertain significance for Catecholaminergic polymorphic ventricular tachycardia 1. Last evaluated: 2019-01-03. Review status: criteria provided, single submitter. Criteria: Invitae Variant Classification Sherloc (09022015). Collection method: clinical testing. Allele origin: germline.
Comment: In summary, the available evidence is currently insufficient to determine the role of this variant in disease. Therefore, it has been classified as a Variant of Uncertain Significance. Algorithms developed to predict the effect of missense changes on protein structure and function are either unavailable or do not agree on the potential impact of this missense change (SIFT: "Deleterious"; PolyPhen-2: "Benign"; Align-GVGD: "Class C35"). This variant has not been reported in the literature in individuals with RYR2-related conditions. This variant is not present in population databases (ExAC no frequency). This sequence change replaces aspartic acid with glutamic acid at codon 1415 of the RYR2 protein (p.Asp1415Glu). The aspartic acid residue is highly conserved and there is a small physicochemical difference between aspartic acid and glutamic acid.

NM_001035.3(RYR2):c.4245T>A (p.Asp1415Glu)

Gene: RYR2 (ryanodine receptor 2; plus strand). Cytogenetic location: 1q43.
Variant type: single nucleotide variant.
Coding change: c.4245T>A on transcript NM_001035.3 (MANE Select); coding-DNA position 4245, T replaced by A.
Protein change: p.Asp1415Glu; replaces aspartic acid 1415 with glutamic acid.
Molecular consequence: missense variant.
Genome position (GRCh38, 1-based): chr1:237,591,823, T>A. VCF-style: chr1-237591823-T-A. GRCh37 (hg19) VCF-style: chr1-237755123-T-A.
Other names: short protein forms D1415E.
Identifiers: ClinVar variation 839003 (VCV000839003.11), dbSNP rs1675234458, ClinGen allele CA345398827.